The following is an entry in ClinVar:

NM_002471.4(MYH6):c.824T>C (p.Ile275Thr)

Gene: MYH6 (myosin heavy chain 6; minus strand). Cytogenetic location: 14q11.2.
Variant type: single nucleotide variant.
Coding change: c.824T>C on transcript NM_002471.4 (MANE Select); coding-DNA position 824, T replaced by C.
Protein change: p.Ile275Thr; replaces isoleucine 275 with threonine.
Molecular consequence: missense variant.
Genome position (GRCh38, 1-based): chr14:23,403,422, A>G on the plus strand (T>C on the coding strand, the complement: MYH6 is on the minus strand). VCF-style: chr14-23403422-A-G. GRCh37 (hg19) VCF-style: chr14-23872631-A-G.
Other names: short protein forms I275T.
Identifiers: ClinVar variation 1408635 (VCV001408635.6), dbSNP rs201327273, ClinGen allele CA389028368.
Genomic context (GRCh38, chr14:23,403,422, plus strand): 5'-TTCTTGTTGGACAGAATCTGGTAGAAGATGTGGTAGTTTCTCTCAGCTTTCAGCTGGAAG[A>G]TCACCCGGGACTTCTCCAGCAGGTCTGAGGTGGGTGGAGGGGAGGAAGGCAGGTGAGGAA-3'
Protein context (NP_002462.2, residues 265-285): ETYLLEKSRV[Ile275Thr]FQLKAERNYH

ClinVar aggregate classification (germline): Uncertain significance (1 of 4 stars; one submission).

Conditions:
Hypertrophic cardiomyopathy 14. Identifiers: MedGen C2750467, MONDO:0013197, OMIM 613251.

gnomAD v4.1: 1 of 1,614,046 alleles (0.000062%); highest among the groups gnomAD compares: Middle Eastern, 0.016%; no homozygotes.

Submission:

Labcorp Genetics (formerly Invitae), Labcorp
Classification: Uncertain significance for Hypertrophic cardiomyopathy 14. Last evaluated: 2022-08-09. Review status: criteria provided, single submitter. Criteria: Invitae Variant Classification Sherloc (09022015). Collection method: clinical testing. Allele origin: germline.
Comment: This sequence change replaces isoleucine, which is neutral and non-polar, with threonine, which is neutral and polar, at codon 275 of the MYH6 protein (p.Ile275Thr). In summary, the available evidence is currently insufficient to determine the role of this variant in disease. Therefore, it has been classified as a Variant of Uncertain Significance. Algorithms developed to predict the effect of missense changes on protein structure and function are either unavailable or do not agree on the potential impact of this missense change (SIFT: "Deleterious"; PolyPhen-2: "Benign"; Align-GVGD: "Class C0"). ClinVar contains an entry for this variant (Variation ID: 1408635). This variant has not been reported in the literature in individuals affected with MYH6-related conditions. This variant is not present in population databases (gnomAD no frequency).